The following is an entry in ClinVar:

ClinVar aggregate classification (germline): Uncertain significance. Review status: criteria provided, multiple submitters, no conflicts (2 of 4 stars). 4 submissions from 4 submitters: Uncertain significance (3). 1 of the submissions does not count toward it. Last evaluated 2025-02-03.

Conditions:
Mucopolysaccharidosis, MPS-III-C (MPS3C). Also called: MPS IIIC (Sanfilippo Syndrome Type C); MPS III C; MUCOPOLYSACCHARIDOSIS, TYPE IIIC; SANFILIPPO SYNDROME C; Mucopolysaccharidosis type IIIC (Sanfilippo C); mucopolysaccharidosis type 3C. Identifiers: Orphanet 581, Orphanet 79271, MedGen C0086649, MONDO:0009657, OMIM 252930.
Retinitis pigmentosa 73 (RP73). Identifiers: Orphanet 791, MedGen C4225287, MONDO:0014687, OMIM 616544.

Allele frequency attached by ClinVar (database versions not stated): gnomAD exomes 0.00009 and 0.00019; gnomAD 0.00011 and 0.00010; ESP Exome Variant Server 0.00009; ExAC 0.00009; TOPMed 0.00017.

Submissions (4):

Labcorp Genetics (formerly Invitae), Labcorp
Classification: Uncertain significance for Retinitis pigmentosa 73; Mucopolysaccharidosis, MPS-III-C. Last evaluated: 2025-02-03. Review status: criteria provided, single submitter. Criteria: Invitae Variant Classification Sherloc (09022015). Collection method: clinical testing. Allele origin: germline.
Comment: This sequence change replaces aspartic acid, which is acidic and polar, with asparagine, which is neutral and polar, at codon 206 of the HGSNAT protein (p.Asp206Asn). This variant is present in population databases (rs367799225, gnomAD 0.02%). This variant has not been reported in the literature in individuals affected with HGSNAT-related conditions. ClinVar contains an entry for this variant (Variation ID: 647671). Invitae Evidence Modeling of protein sequence and biophysical properties (such as structural, functional, and spatial information, amino acid conservation, physicochemical variation, residue mobility, and thermodynamic stability) has been performed for this missense variant. However, the output from this modeling did not meet the statistical confidence thresholds required to predict the impact of this variant on HGSNAT protein function. In summary, the available evidence is currently insufficient to determine the role of this variant in disease. Therefore, it has been classified as a Variant of Uncertain Significance.

Blueprint Genetics
Classification: Uncertain significance. Last evaluated: 2024-11-05. Review status: criteria provided, single submitter. Criteria: ACMG Guidelines, 2015. Collection method: clinical testing. Allele origin: germline.

Victorian Clinical Genetics Services, Murdoch Childrens Research Institute
Classification: Uncertain significance for Mucopolysaccharidosis, MPS-III-C. Last evaluated: 2022-02-02. Review status: criteria provided, single submitter. Criteria: ACMG Guidelines, 2015. Collection method: clinical testing. Allele origin: germline. Inheritance: Autosomal recessive inheritance.
Comment: Based on the classification scheme VCGS_Germline_v1.3.4, this variant is classified as VUS-3B. Following criteria are met: 0102 - Loss of function is a known mechanism of disease in this gene and is associated with mucopolysaccharidosis type IIIC (Sanfilippo C; MIM#252930) and retinitis pigmentosa 73 (MIM#616544). (I) 0106 - This gene is associated with autosomal recessive disease. (I) 0200 - Variant is predicted to result in a missense amino acid change from aspartic acid to asparagine. (I) 0251 - This variant is heterozygous. (I) 0304 - Variant is present in gnomAD (v2) <0.01 for a recessive condition (21 heterozygotes, 0 homozygotes). (SP) 0309 - An alternative amino acid change at the same position has been observed in gnomAD (v2) (1 heterozygote, 0 homozygotes). (I) 0502 - Missense variant with conflicting in silico predictions and uninformative conservation. (I) 0604 - Variant is not located in an established domain, motif, hotspot or informative constraint region. (I) 0705 - No comparable missense variants have previous evidence for pathogenicity. (I) 0809 - Previous evidence of pathogenicity for this variant is inconclusive. This variant has been reported twice as a VUS in the ClinVar database. (I) 0905 - No published segregation evidence has been identified for this variant. (I) 1007 - No published functional evidence has been identified for this variant. (I) Legend: (SP) - Supporting pathogenic, (I) - Information, (SB) - Supporting benign

Natera, Inc.
Classification: Uncertain significance for Mucopolysaccharidosis type IIIC. Last evaluated: 2020-01-24. Review status: no assertion criteria provided. Collection method: clinical testing. Allele origin: germline. Not counted in ClinVar's aggregate classification.

NM_152419.3(HGSNAT):c.616G>A (p.Asp206Asn)

Gene: HGSNAT (heparan-alpha-glucosaminide N-acetyltransferase; plus strand). Cytogenetic location: 8p11.21.
Variant type: single nucleotide variant.
Coding change: c.616G>A on transcript NM_152419.3 (MANE Select); coding-DNA position 616, G replaced by A.
Protein change: p.Asp206Asn; replaces aspartic acid 206 with asparagine.
Molecular consequence: missense variant. On other transcripts: 5 prime UTR variant (1).
Genome position (GRCh38, 1-based): chr8:43,169,225, G>A. VCF-style: chr8-43169225-G-A. GRCh37 (hg19) VCF-style: chr8-43024368-G-A.
Other names: c.616G>A, p.Asp206Asn (NM_001363227.2, NM_001363228.2); c.-218G>A (NM_001363229.2); short protein forms D206N.
Identifiers: ClinVar variation 647671 (VCV000647671.10), dbSNP rs367799225, ClinGen allele CA4736564.
Genomic context (GRCh38, chr8:43,169,225, plus strand): 5'-ATTTTCAGTTTGGATGACTTTAACAATTGGATTTCTAAAGCCATAAGTTCTCGAGAAACT[G>A]ATCGCCTCATCAATTCTGTAAGTTATGAGATGCATAGTGTATTGCCCAGGTGGTTTTCTA-3'
Protein context (NP_689632.2, residues 196-216): ISKAISSRET[Asp206Asn]RLINSELGSP